The following is an entry in ClinVar:

ClinVar aggregate classification (germline): Conflicting classifications of pathogenicity. Review status: criteria provided, conflicting classifications (1 of 4 stars). 4 submissions from 4 submitters: Uncertain significance (3); Likely benign (1). Last evaluated 2025-05-27.

Conditions:
Hereditary cancer-predisposing syndrome. Also called: Neoplastic Syndromes, Hereditary; Hereditary Cancer Syndrome; Hereditary neoplastic syndrome; Tumor predisposition. Identifiers: Orphanet 140162, MedGen C0027672, MeSH D009386, MONDO:0015356.
Hereditary diffuse gastric adenocarcinoma (HDGC). Also called: DIFFUSE GASTRIC AND LOBULAR BREAST CANCER SYNDROME. Identifiers: Orphanet 26106, MedGen C1708349, MONDO:0007648, OMIM 137215.

Allele frequency attached by ClinVar (database versions not stated): gnomAD exomes below 0.00001; TOPMed below 0.00001; ExAC 0.00001.
gnomAD v4.1: 1 of 1,614,142 alleles (0.000062%); highest among the groups gnomAD compares: Non-Finnish European, 0.000085%; no homozygotes.

Submissions (4):

Labcorp Genetics (formerly Invitae), Labcorp
Classification: Uncertain significance for Hereditary diffuse gastric adenocarcinoma. Last evaluated: 2025-05-27. Review status: criteria provided, single submitter. Criteria: Invitae Variant Classification Sherloc (09022015). Collection method: clinical testing. Allele origin: germline.
Comment: This sequence change replaces proline, which is neutral and non-polar, with arginine, which is basic and polar, at codon 147 of the CDH1 protein (p.Pro147Arg). This variant is present in population databases (rs587782571, gnomAD 0.0009%). This variant has not been reported in the literature in individuals affected with CDH1-related conditions. ClinVar contains an entry for this variant (Variation ID: 142592). An algorithm developed to predict the effect of missense changes on protein structure and function outputs the following: PolyPhen-2: "Benign". The arginine amino acid residue is found in multiple mammalian species, which suggests that this missense change does not adversely affect protein function. In summary, the available evidence is currently insufficient to determine the role of this variant in disease. Therefore, it has been classified as a Variant of Uncertain Significance.

GeneDx
Classification: Uncertain significance. Last evaluated: 2025-05-16. Review status: criteria provided, single submitter. Criteria: GeneDx Variant Classification Process June 2021. Collection method: clinical testing. Allele origin: germline. Affected: yes.
Comment: Not observed at significant frequency in large population cohorts (gnomAD); In silico analysis suggests that this missense variant does not alter protein structure/function; Has not been previously published in association with a CDH1-related disorder to our knowledge; This variant is associated with the following publications: (PMID: 15235021, 36243179)

Ambry Genetics
Classification: Likely benign for Hereditary cancer-predisposing syndrome. Last evaluated: 2024-01-29. Review status: criteria provided, single submitter. Criteria: Ambry Variant Classification Scheme 2023. Collection method: clinical testing. Allele origin: germline.

Color Diagnostics, LLC DBA Color Health
Classification: Uncertain significance for Hereditary cancer-predisposing syndrome. Last evaluated: 2023-12-04. Review status: criteria provided, single submitter. Criteria: ACMG Guidelines, 2015. Collection method: clinical testing. Allele origin: germline.
Comment: This missense variant replaces proline with arginine at codon 147 of the CDH1 protein. To our knowledge, functional studies have not been reported for this variant. This variant has not been reported in individuals affected with CDH1-related disorders in the literature. This variant has been identified in 1/251414 chromosomes in the general population by the Genome Aggregation Database (gnomAD). The available evidence is insufficient to determine the role of this variant in disease conclusively. Therefore, this variant is classified as a Variant of Uncertain Significance.

NM_004360.5(CDH1):c.440C>G (p.Pro147Arg)

Gene: CDH1 (cadherin 1; plus strand). Cytogenetic location: 16q22.1.
Variant type: single nucleotide variant.
Coding change: c.440C>G on transcript NM_004360.5 (MANE Select); coding-DNA position 440, C replaced by G.
Protein change: p.Pro147Arg; replaces proline 147 with arginine.
Molecular consequence: missense variant. On other transcripts: 5 prime UTR variant (2).
Genome position (GRCh38, 1-based): chr16:68,808,476, C>G. VCF-style: chr16-68808476-C-G. GRCh37 (hg19) VCF-style: chr16-68842379-C-G.
Other names: c.440C>G (LRG_301t1); c.440C>G, p.Pro147Arg (NM_001317184.2); c.-1176C>G (NM_001317185.2); c.-1380C>G (NM_001317186.2); short protein forms P147R.
Identifiers: ClinVar variation 142592 (VCV000142592.21), dbSNP rs587782571, ClinGen allele CA168771.
Genomic context (GRCh38, chr16:68,808,476, plus strand): 5'-CCTTTTAGGCCTCCGTTTCTGGAATCCAAGCAGAATTGCTCACATTTCCCAACTCCTCTC[C>G]TGGCCTCAGAAGACAGAAGAGAGACTGGGTTATTCCTCCCATCAGCTGCCCAGAAAATGA-3'
Protein context (NP_004351.1, residues 137-157): AELLTFPNSS[Pro147Arg]GLRRQKRDWV